The following is an entry in ClinVar:

ClinVar aggregate classification (germline): Uncertain significance. Review status: criteria provided, multiple submitters, no conflicts (2 of 4 stars). 2 submissions from 2 submitters: Uncertain significance (2). Last evaluated 2025-12-23.

Conditions:
PLEC-related disorder. Also called: PLEC-related condition; PLEC-related disorders.
Epidermolysis bullosa simplex, Ogna type (EBS5A). Also called: Pidermolysis bullosa simplex 5A, Ogna type; EPIDERMOLYSIS BULLOSA SIMPLEX 5A, OGNA TYPE. Identifiers: Orphanet 79401, MedGen C0432317, MONDO:0007555, OMIM 131950.
Autosomal recessive limb-girdle muscular dystrophy type 2Q (LGMDR17). Also called: MUSCULAR DYSTROPHY, LIMB-GIRDLE, AUTOSOMAL RECESSIVE 17. Identifiers: Orphanet 254361, MedGen C3150989, MONDO:0013390, OMIM 613723.
Epidermolysis bullosa simplex with nail dystrophy (EBS5D). Identifiers: MedGen C4225309, MONDO:0014661, OMIM 616487.
Epidermolysis bullosa simplex 5C, with pyloric atresia (EBS5C). Also called: PLEC-Related Epidermolysis Bullosa with Pyloric Atresia; Epidermolysis bullosa simplex with pyloric atresia; PLEC1-Related Epidermolysis Bullosa with Pyloric Atresia. Identifiers: Orphanet 158684, MedGen C2677349, MONDO:0012807, OMIM 612138.
Epidermolysis bullosa simplex 5B, with muscular dystrophy (EBS5B). Also called: Epidermolysis bullosa simplex with muscular dystrophy; EPIDERMOLYSIS BULLOSA SIMPLEX AND LIMB-GIRDLE MUSCULAR DYSTROPHY. Identifiers: Orphanet 257, MedGen C2931072, MONDO:0009181, OMIM 226670.

Allele frequency attached by ClinVar (database versions not stated): TOPMed below 0.00001; ExAC 0.00004.
gnomAD v4.1: 28 of 1,612,976 alleles (0.0017%); highest among the groups gnomAD compares: South Asian, 0.027%; no homozygotes.

Submissions (2):

Labcorp Genetics (formerly Invitae), Labcorp
Classification: Uncertain significance for Autosomal recessive limb-girdle muscular dystrophy type 2Q; Epidermolysis bullosa simplex, Ogna type; Epidermolysis bullosa simplex with nail dystrophy; Epidermolysis bullosa simplex 5C, with pyloric atresia; Epidermolysis bullosa simplex 5B, with muscular dystrophy. Last evaluated: 2025-12-23. Review status: criteria provided, single submitter. Criteria: Invitae Variant Classification Sherloc (09022015). Collection method: clinical testing. Allele origin: germline.
Comment: This sequence change replaces alanine, which is neutral and non-polar, with valine, which is neutral and non-polar, at codon 472 of the PLEC protein (p.Ala472Val). This variant is present in population databases (rs537224810, gnomAD 0.02%). This variant has not been reported in the literature in individuals affected with PLEC-related conditions. ClinVar contains an entry for this variant (Variation ID: 2927243). Invitae Evidence Modeling of protein sequence and biophysical properties (such as structural, functional, and spatial information, amino acid conservation, physicochemical variation, residue mobility, and thermodynamic stability) indicates that this missense variant is not expected to disrupt PLEC protein function with a negative predictive value of 80%. In summary, the available evidence is currently insufficient to determine the role of this variant in disease. Therefore, it has been classified as a Variant of Uncertain Significance.

PreventionGenetics, part of Exact Sciences
Classification: Uncertain significance for PLEC-related condition. Last evaluated: 2025-04-10. Review status: criteria provided, single submitter. Criteria: ACMG Guidelines, 2015. Collection method: clinical testing. Allele origin: germline.
Comment: The PLEC c.1415C>T variant is predicted to result in the amino acid substitution p.Ala472Val. To our knowledge, this variant has not been reported in the literature. This variant is reported in 0.020% of alleles in individuals of South Asian descent in gnomAD. At this time, the clinical significance of this variant is uncertain due to the absence of conclusive functional and genetic evidence.

NM_201384.3(PLEC):c.1334C>T (p.Ala445Val)

Gene: PLEC (plectin; minus strand). Cytogenetic location: 8q24.3.
Variant type: single nucleotide variant.
Coding change: c.1334C>T on transcript NM_201384.3 (MANE Select); coding-DNA position 1334, C replaced by T.
Protein change: p.Ala445Val; replaces alanine 445 with valine.
Molecular consequence: missense variant.
Genome position (GRCh38, 1-based): chr8:143,933,281, G>A on the plus strand (C>T on the coding strand, the complement: PLEC is on the minus strand). VCF-style: chr8-143933281-G-A. GRCh37 (hg19) VCF-style: chr8-145007449-G-A.
Other names: c.1415C>T (NM_000445.4); c.1415C>T, p.Ala472Val (NM_000445.5, NM_001410941.1); c.1292C>T, p.Ala431Val (NM_201378.4); c.1268C>T, p.Ala423Val (NM_201379.3); c.1745C>T, p.Ala582Val (NM_201380.4); c.1238C>T, p.Ala413Val (NM_201381.3); c.1334C>T, p.Ala445Val (NM_201382.4); c.1346C>T, p.Ala449Val (NM_201383.3); short protein forms A449V, A472V, A445V, A582V, A423V, A431V, A413V.
Identifiers: ClinVar variation 2927243 (VCV002927243.4), dbSNP rs537224810, ClinGen allele CA4928013.